The following is an entry in ClinVar:

ClinVar aggregate classification (germline): Likely pathogenic (1 of 4 stars; one submission).

Conditions:
Maple syrup urine disease type 2 (MSUD2). Also called: Maple syrup urine disease, type II. Identifiers: MedGen C1855371, MONDO:0023693, OMIM 620699.

Submission:

Juno Genomics, Hangzhou Juno Genomics, Inc
Classification: Likely pathogenic for Maple syrup urine disease type 2. Review status: criteria provided, single submitter. Criteria: ACMG Guidelines, 2015. Collection method: clinical testing. Allele origin: germline.
Comment: Absent from controls (or at extremely low frequency if recessive) in Genome Aggregation Database.;Null variant in a gene where loss of function (LOF) is a known mechanism of disease.

NM_001918.5(DBT):c.181del (p.Arg61fs)

Gene: DBT (dihydrolipoamide branched chain transacylase E2; minus strand). Cytogenetic location: 1p21.2.
Variant type: Deletion.
Coding change: c.181del on transcript NM_001918.5 (MANE Select); coding-DNA position 181, one base deleted (C; older notation c.181delC).
Protein change: p.Arg61fs; shifts the reading frame from arginine 61.
Molecular consequence: frameshift variant. On other transcripts: 5 prime UTR variant (2), non-coding transcript variant (4).
Genome position (GRCh38, 1-based): chr1:100,235,506, G deleted on the plus strand (C on the coding strand, the reverse complement: DBT is on the minus strand); the first of 2 consecutive G bases (chr1:100,235,506-100,235,507); deleting either gives the same sequence. VCF-style (leftmost placement, unchanged base first): chr1-100235505-CG-C. GRCh37 (hg19) VCF-style: chr1-100701061-CG-C.
Other names: c.-363del (NM_001399969.1, NM_001399972.1); short protein forms R61fs.
Identifiers: ClinVar variation 5006539 (VCV005006539.2).